The following is an entry in ClinVar:

ClinVar aggregate classification (germline): Uncertain significance (1 of 4 stars; one submission).

Conditions:
Gorlin syndrome. Also called: Basal cell nevus syndrome; Nevoid Basal Cell Carcinoma Syndrome. Identifiers: Orphanet 377, MedGen C0004779, MONDO:0007187.

gnomAD v4.1: 1 of 1,613,260 alleles (0.000062%); highest among the groups gnomAD compares: Non-Finnish European, 0.000085%; no homozygotes.

Submission:

Labcorp Genetics (formerly Invitae), Labcorp
Classification: Uncertain significance for Gorlin syndrome. Last evaluated: 2023-11-27. Review status: criteria provided, single submitter. Criteria: Invitae Variant Classification Sherloc (09022015). Collection method: clinical testing. Allele origin: germline.
Comment: This sequence change replaces proline, which is neutral and non-polar, with histidine, which is basic and polar, at codon 1314 of the PTCH1 protein (p.Pro1314His). This variant is not present in population databases (gnomAD no frequency). This variant has not been reported in the literature in individuals affected with PTCH1-related conditions. Advanced modeling of protein sequence and biophysical properties (such as structural, functional, and spatial information, amino acid conservation, physicochemical variation, residue mobility, and thermodynamic stability) performed at Invitae indicates that this missense variant is not expected to disrupt PTCH1 protein function with a negative predictive value of 95%. In summary, the available evidence is currently insufficient to determine the role of this variant in disease. Therefore, it has been classified as a Variant of Uncertain Significance.

NM_000264.5(PTCH1):c.3941C>A (p.Pro1314His)

Gene: PTCH1 (patched 1; minus strand). Cytogenetic location: 9q22.32.
Variant type: single nucleotide variant.
Coding change: c.3941C>A on transcript NM_000264.5 (MANE Select); coding-DNA position 3941, C replaced by A.
Protein change: p.Pro1314His; replaces proline 1314 with histidine.
Molecular consequence: missense variant. On other transcripts: non-coding transcript variant (1).
Genome position (GRCh38, 1-based): chr9:95,447,315, G>T on the plus strand (C>A on the coding strand, the complement: PTCH1 is on the minus strand). VCF-style: chr9-95447315-G-T. GRCh37 (hg19) VCF-style: chr9-98209597-G-T.
Other names: c.3938C>A, p.Pro1313His (NM_001083603.3); c.3488C>A, p.Pro1163His (NM_001083604.3, NM_001083605.3, NM_001083606.3 and 1 more transcripts); c.3785C>A, p.Pro1262His (NM_001354918.2); c.3743C>A, p.Pro1248His (NM_001083602.3); short protein forms P1262H, P1163H, P1248H, P1313H, P1314H.
Identifiers: ClinVar variation 2786448 (VCV002786448.3), dbSNP rs1400282737, ClinGen allele CA374110623.